The following is an entry in ClinVar:

ClinVar aggregate classification (germline): Likely pathogenic (1 of 4 stars; one submission).

Conditions:
Primary dilated cardiomyopathy (DCM). Also called: Dilated Cardiomyopathy. Identifiers: Orphanet 217604, MedGen C0007193, MeSH D002311, MONDO:0005021, HP:0001644. Inheritance: Various modes of inheritance.

Submission:

Cardiovascular Biomedical Research Unit, Royal Brompton & Harefield NHS Foundation Trust
Classification: Likely pathogenic for Primary dilated cardiomyopathy. Last evaluated: 2014-10-08. Review status: criteria provided, single submitter. Criteria: Roberts et al. 2015. Collection method: research. Allele origin: germline. Inheritance: Autosomal dominant inheritance. Affected: yes. Observed: 1 variant allele. Study: Unselected DCM.
Comment: In the seven cohorts assessed, TTNtv were found in 14% of ambulant DCM, 22% end-stage or familial DCM, and 2% controls. Heterozygous nonsense, frameshift and canonical splice-disrupting variants found in constitutive and other highly utilised exons are highly likely to be pathogenic when identified in individuals with phenotypically confirmed DCM. TTNtv found incidentally in healthy individuals (excluding familial assessment of DCM relatives) are thought to have low penetrance, particularly when identified in exons that are not constitutively expressed in the heart.

NM_001267550.2(TTN):c.94852_94858del (p.Ala31618fs)

Genes: TTN (titin; minus strand), TTN-AS1 (TTN antisense RNA 1; plus strand). Cytogenetic location: 2q31.2.
Variant type: Deletion.
Coding change: c.94852_94858del on transcript NM_001267550.2 (MANE Select); coding-DNA positions 94852 to 94858, 7 bases deleted (GCCCGAT; older notation c.94852_94858delGCCCGAT).
Protein change: p.Ala31618fs; shifts the reading frame from alanine 31618.
Molecular consequence: frameshift variant.
Genome position (GRCh38, 1-based): chr2:178,546,473-178,546,479, ATCGGGC deleted on the plus strand (GCCCGAT on the coding strand, the reverse complement: TTN is on the minus strand); deleting any 7 consecutive bases within chr2:178,546,473-178,546,482 gives the same sequence; the c. name uses the placement nearest the transcript's 3' end. VCF-style (leftmost placement, unchanged base first): chr2-178546472-AATCGGGC-A. GRCh37 (hg19) VCF-style: chr2-179411199-AATCGGGC-A.
Other names: c.89929_89935del, p.Ala29977fs (NM_001256850.1); c.67657_67663del, p.Ala22553fs (NM_003319.4); c.87148_87154del, p.Ala29050fs (NM_133378.4); c.68032_68038del, p.Ala22678fs (NM_133432.3); c.68233_68239del, p.Ala22745fs (NM_133437.4); c.94852_94858delGCCCGAT (LRG_391t1); short protein forms A22678fs, A31618fs, A29050fs, A29977fs, A22553fs, A22745fs.
Identifiers: ClinVar variation 223301 (VCV000223301.1), dbSNP rs869312066, ClinGen allele CA353038.